The following is an entry in ClinVar:

ClinVar aggregate classification (germline): Uncertain significance (1 of 4 stars; one submission).

gnomAD v4.1: 2 of 1,613,524 alleles (0.00012%); highest among the groups gnomAD compares: African/African-American, 0.0027%; no homozygotes.

Submission:

Labcorp Genetics (formerly Invitae), Labcorp
Classification: Uncertain significance. Last evaluated: 2022-10-05. Review status: criteria provided, single submitter. Criteria: Invitae Variant Classification Sherloc (09022015). Collection method: clinical testing. Allele origin: germline.
Comment: In summary, the available evidence is currently insufficient to determine the role of this variant in disease. Therefore, it has been classified as a Variant of Uncertain Significance. Algorithms developed to predict the effect of missense changes on protein structure and function (SIFT, PolyPhen-2, Align-GVGD) all suggest that this variant is likely to be tolerated. This variant has not been reported in the literature in individuals affected with VCAN-related conditions. This sequence change replaces aspartic acid, which is acidic and polar, with asparagine, which is neutral and polar, at codon 3023 of the VCAN protein (p.Asp3023Asn). This variant is not present in population databases (gnomAD no frequency).

NM_004385.5(VCAN):c.9067G>A (p.Asp3023Asn)

Genes: VCAN (versican; plus strand), VCAN-AS1 (VCAN antisense RNA 1; minus strand). Cytogenetic location: 5q14.3.
Variant type: single nucleotide variant.
Coding change: c.9067G>A on transcript NM_004385.5 (MANE Select); coding-DNA position 9067, G replaced by A.
Protein change: p.Asp3023Asn; replaces aspartic acid 3023 with asparagine.
Molecular consequence: missense variant. On other transcripts: intron variant (2).
Genome position (GRCh38, 1-based): chr5:83,542,070, G>A. VCF-style: chr5-83542070-G-A. GRCh37 (hg19) VCF-style: chr5-82837889-G-A.
Other names: c.6106G>A, p.Asp2036Asn (NM_001164097.2); c.4004-3467G>A (NM_001164098.2); c.1043-3467G>A (NM_001126336.3); short protein forms D2036N, D3023N.
Identifiers: ClinVar variation 2089856 (VCV002089856.4), dbSNP rs1293188372, ClinGen allele CA360294835.